The following is an entry in ClinVar:

NM_144666.3(DNHD1):c.8104G>T (p.Glu2702Ter)

Gene: DNHD1 (dynein heavy chain domain 1; plus strand). Cytogenetic location: 11p15.4.
Variant type: single nucleotide variant.
Coding change: c.8104G>T on transcript NM_144666.3 (MANE Select); coding-DNA position 8104, G replaced by T.
Protein change: p.Glu2702Ter; replaces glutamic acid 2702 with a stop codon.
Molecular consequence: nonsense.
Genome position (GRCh38, 1-based): chr11:6,557,399, G>T. VCF-style: chr11-6557399-G-T. GRCh37 (hg19) VCF-style: chr11-6578629-G-T.
Other names: short protein forms E2702*.
Identifiers: ClinVar variation 2196016 (VCV002196016.1), dbSNP rs1012468951, ClinGen allele CA217321837.

ClinVar aggregate classification (germline): Pathogenic (1 of 4 stars; one submission).

Allele frequency attached by ClinVar (database versions not stated): gnomAD 0.00001; gnomAD exomes 0.00001; TOPMed 0.00001.
gnomAD v4.1: 18 of 1,551,002 alleles (0.0012%); highest among the groups gnomAD compares: Non-Finnish European, 0.0015%; no homozygotes.

Submission:

Labcorp Genetics (formerly Invitae), Labcorp
Classification: Pathogenic. Last evaluated: 2022-06-28. Review status: criteria provided, single submitter. Criteria: Invitae Variant Classification Sherloc (09022015). Collection method: clinical testing. Allele origin: germline.
Comment: This sequence change creates a premature translational stop signal (p.Glu2702*) in the DNHD1 gene. It is expected to result in an absent or disrupted protein product. Loss-of-function variants in DNHD1 are known to be pathogenic (PMID: 34932939). This variant is present in population databases (no rsID available, gnomAD 0.003%). This variant has not been reported in the literature in individuals affected with DNHD1-related conditions. For these reasons, this variant has been classified as Pathogenic.

Literature cited by the submitters: PubMed 34932939.